The following is an entry in ClinVar:

ClinVar aggregate classification (germline): Uncertain significance. Review status: criteria provided, multiple submitters, no conflicts (2 of 4 stars). 4 submissions from 4 submitters: Uncertain significance (4). Last evaluated 2026-03-13.

Conditions:
Inborn genetic diseases. Identifiers: MedGen C0950123, MeSH D030342.
Autosomal recessive Alport syndrome (ATS2). Also called: COL4A4 Alport Syndrome and Thin Basement Membrane Nephropathy; ALPORT SYNDROME 2, AUTOSOMAL RECESSIVE; Alport syndrome type 2; COL4A3-Related Nephropathy. Identifiers: Orphanet 63, Orphanet 88919, MedGen C4746745, MONDO:0008762, OMIM 203780.
Hematuria, benign familial, 1 (BFH1). Also called: THIN MEMBRANE NEPHROPATHY. Identifiers: MedGen CN376803, MONDO:0007709, OMIM 141200.

Allele frequency attached by ClinVar (database versions not stated): gnomAD 0.00002; ExAC 0.00001; gnomAD exomes 0.00001; TOPMed 0.00001.
gnomAD v4.1: 15 of 1,613,664 alleles (0.00093%); highest among the groups gnomAD compares: Middle Eastern, 0.034%; 1 homozygote.

Submissions (4):

Women's Health and Genetics/Laboratory Corporation of America, LabCorp
Classification: Uncertain significance. Last evaluated: 2026-03-13. Review status: criteria provided, single submitter. Criteria: LabCorp Variant Classification Summary - May 2015. Collection method: clinical testing. Allele origin: germline.
Comment: Variant summary: COL4A4 c.1922G>A (p.Arg641Gln) results in a conservative amino acid change in the encoded protein sequence. Algorithms developed to predict the effect of missense changes on protein structure and function are either unavailable or do not agree on the potential impact of this missense change. The variant allele was found at a frequency of 4e-06 in 248334 control chromosomes. The available data on variant occurrences in the general population are insufficient to allow any conclusion about variant significance. To our knowledge, no occurrence of c.1922G>A in individuals affected with COL4A4-related conditions and no experimental evidence demonstrating its impact on protein function have been reported. ClinVar contains an entry for this variant (Variation ID: 2391815). Based on the evidence outlined above, the variant was classified as uncertain significance.

Labcorp Genetics (formerly Invitae), Labcorp
Classification: Uncertain significance. Last evaluated: 2024-10-11. Review status: criteria provided, single submitter. Criteria: Invitae Variant Classification Sherloc (09022015). Collection method: clinical testing. Allele origin: germline.
Comment: This sequence change replaces arginine, which is basic and polar, with glutamine, which is neutral and polar, at codon 641 of the COL4A4 protein (p.Arg641Gln). This variant is present in population databases (rs772264905, gnomAD 0.0009%). This variant has not been reported in the literature in individuals affected with COL4A4-related conditions. ClinVar contains an entry for this variant (Variation ID: 2391815). Invitae Evidence Modeling of protein sequence and biophysical properties (such as structural, functional, and spatial information, amino acid conservation, physicochemical variation, residue mobility, and thermodynamic stability) indicates that this missense variant is not expected to disrupt COL4A4 protein function with a negative predictive value of 95%. In summary, the available evidence is currently insufficient to determine the role of this variant in disease. Therefore, it has been classified as a Variant of Uncertain Significance.

Fulgent Genetics
Classification: Uncertain significance for Hematuria, benign familial, 1; Autosomal recessive Alport syndrome. Last evaluated: 2024-04-03. Review status: criteria provided, single submitter. Criteria: ACMG Guidelines, 2015. Collection method: clinical testing. Allele origin: germline.

Ambry Genetics
Classification: Uncertain significance for Inborn genetic diseases. Last evaluated: 2022-06-03. Review status: criteria provided, single submitter. Criteria: Ambry Variant Classification Scheme 2023. Collection method: clinical testing. Allele origin: germline.

NM_000092.5(COL4A4):c.1922G>A (p.Arg641Gln)

Gene: COL4A4 (collagen type IV alpha 4 chain; minus strand). Cytogenetic location: 2q36.3.
Variant type: single nucleotide variant.
Coding change: c.1922G>A on transcript NM_000092.5 (MANE Select); coding-DNA position 1922, G replaced by A.
Protein change: p.Arg641Gln; replaces arginine 641 with glutamine.
Molecular consequence: missense variant.
Genome position (GRCh38, 1-based): chr2:227,077,959, C>T on the plus strand (G>A on the coding strand, the complement: COL4A4 is on the minus strand). VCF-style: chr2-227077959-C-T. GRCh37 (hg19) VCF-style: chr2-227942675-C-T.
Other names: short protein forms R641Q.
Identifiers: ClinVar variation 2391815 (VCV002391815.6), dbSNP rs772264905, ClinGen allele CA2145017.